The following is an entry in ClinVar:

NM_206933.4(USH2A):c.7198G>A (p.Asp2400Asn)

Gene: USH2A (usherin; minus strand). Cytogenetic location: 1q41.
Variant type: single nucleotide variant.
Coding change: c.7198G>A on transcript NM_206933.4 (MANE Select); coding-DNA position 7198, G replaced by A.
Protein change: p.Asp2400Asn; replaces aspartic acid 2400 with asparagine.
Molecular consequence: missense variant.
Genome position (GRCh38, 1-based): chr1:215,934,718, C>T on the plus strand (G>A on the coding strand, the complement: USH2A is on the minus strand). VCF-style: chr1-215934718-C-T. GRCh37 (hg19) VCF-style: chr1-216108060-C-T.
Other names: short protein forms D2400N.
Identifiers: ClinVar variation 2168392 (VCV002168392.2), dbSNP rs370204550, ClinGen allele CA1394921.

ClinVar aggregate classification (germline): Uncertain significance. Review status: criteria provided, multiple submitters, no conflicts (2 of 4 stars). 2 submissions from 2 submitters: Uncertain significance (2). Last evaluated 2022-10-04.

Allele frequency attached by ClinVar (database versions not stated): ExAC 0.00002; gnomAD 0.00002; TOPMed 0.00002; ESP Exome Variant Server 0.00008.
gnomAD v4.1: 22 of 1,612,752 alleles (0.0014%); highest among the groups gnomAD compares: East Asian, 0.0022%; no homozygotes.

Submissions (2):

Labcorp Genetics (formerly Invitae), Labcorp
Classification: Uncertain significance. Last evaluated: 2022-10-04. Review status: criteria provided, single submitter. Criteria: Invitae Variant Classification Sherloc (09022015). Collection method: clinical testing. Allele origin: germline.
Comment: This sequence change replaces aspartic acid, which is acidic and polar, with asparagine, which is neutral and polar, at codon 2400 of the USH2A protein (p.Asp2400Asn). This variant is present in population databases (rs370204550, gnomAD 0.002%). This variant has not been reported in the literature in individuals affected with USH2A-related conditions. Advanced modeling of protein sequence and biophysical properties (such as structural, functional, and spatial information, amino acid conservation, physicochemical variation, residue mobility, and thermodynamic stability) performed at Invitae indicates that this missense variant is not expected to disrupt USH2A protein function. In summary, the available evidence is currently insufficient to determine the role of this variant in disease. Therefore, it has been classified as a Variant of Uncertain Significance.

Blueprint Genetics
Classification: Uncertain significance. Last evaluated: 2021-07-16. Review status: criteria provided, single submitter. Criteria: ACMG Guidelines, 2015. Collection method: clinical testing. Allele origin: germline.